The following is an entry in ClinVar:

NM_004370.6(COL12A1):c.3508G>A (p.Val1170Ile)

Gene: COL12A1 (collagen type XII alpha 1 chain; minus strand). Cytogenetic location: 6q13.
Variant type: single nucleotide variant.
Coding change: c.3508G>A on transcript NM_004370.6 (MANE Select); coding-DNA position 3508, G replaced by A.
Protein change: p.Val1170Ile; replaces valine 1170 with isoleucine.
Molecular consequence: missense variant. On other transcripts: intron variant (1).
Genome position (GRCh38, 1-based): chr6:75,154,473, C>T on the plus strand (G>A on the coding strand, the complement: COL12A1 is on the minus strand). VCF-style: chr6-75154473-C-T. GRCh37 (hg19) VCF-style: chr6-75864189-C-T.
Other names: c.74-1991G>A (NM_080645.3); short protein forms V1170I.
Identifiers: ClinVar variation 809969 (VCV000809969.51), dbSNP rs201542066, ClinGen allele CA3893701.

ClinVar aggregate classification (germline): Conflicting classifications of pathogenicity. Review status: criteria provided, conflicting classifications (1 of 4 stars). 3 submissions from 3 submitters: Uncertain significance (2); Likely benign (1). Last evaluated 2025-10-25.

Conditions:
Ullrich congenital muscular dystrophy 2 (UCMD2). Identifiers: Orphanet 75840, MedGen C4225314, MONDO:0014654, OMIM 616470.
Bethlem myopathy 2 (BTHLM2). Identifiers: Orphanet 536516, Orphanet 610, MedGen C4225313, MONDO:0034022, OMIM 616471.

Allele frequency attached by ClinVar (database versions not stated): gnomAD 0.00001; gnomAD exomes 0.00001 and 0.00006; ExAC 0.00002; TOPMed 0.00002.
gnomAD v4.1: 93 of 1,612,552 alleles (0.0058%); highest among the groups gnomAD compares: Middle Eastern, 0.016%; no homozygotes.

Submissions (3):

Labcorp Genetics (formerly Invitae), Labcorp
Classification: Likely benign for Bethlem myopathy 2; Ullrich congenital muscular dystrophy 2. Last evaluated: 2025-10-25. Review status: criteria provided, single submitter. Criteria: Invitae Variant Classification Sherloc (09022015). Collection method: clinical testing. Allele origin: germline.

GeneDx
Classification: Uncertain significance. Last evaluated: 2025-10-01. Review status: criteria provided, single submitter. Criteria: GeneDx Variant Classification Process June 2021. Collection method: clinical testing. Allele origin: germline. Affected: yes.
Comment: Not observed at significant frequency in large population cohorts (gnomAD); In silico analysis suggests that this missense variant does not alter protein structure/function; Has not been previously published as pathogenic or benign to our knowledge

CeGaT Center for Human Genetics Tuebingen
Classification: Uncertain significance. Last evaluated: 2018-06-01. Review status: criteria provided, single submitter. Criteria: CeGaT Center For Human Genetics Tuebingen Variant Classification Criteria Version 2. Collection method: clinical testing. Allele origin: germline. Affected: yes. Observed: 1 variant allele.